The following is an entry in ClinVar:

ClinVar aggregate classification (germline): Uncertain significance (1 of 4 stars; one submission).

Conditions:
Eichsfeld type congenital muscular dystrophy (CMYO3). Also called: MYOPATHY, SEPN1-RELATED; Rigid spine muscular dystrophy 1; SELENON-related myopathy; Congenital myopathy 3 with rigid spine. Identifiers: MedGen C0410180, MONDO:0100100, OMIM 602771.

gnomAD v4.1: 1 of 1,607,314 alleles (0.000062%); highest among the groups gnomAD compares: Non-Finnish European, 0.000085%; no homozygotes.

Submission:

Labcorp Genetics (formerly Invitae), Labcorp
Classification: Uncertain significance for Eichsfeld type congenital muscular dystrophy. Last evaluated: 2025-07-07. Review status: criteria provided, single submitter. Criteria: Invitae Variant Classification Sherloc (09022015). Collection method: clinical testing. Allele origin: germline.
Comment: This sequence change replaces valine, which is neutral and non-polar, with methionine, which is neutral and non-polar, at codon 374 of the SELENON protein (p.Val374Met). This variant is not present in population databases (gnomAD no frequency). This variant has not been reported in the literature in individuals affected with SELENON-related conditions. An algorithm developed to predict the effect of missense changes on protein structure and function outputs the following: PolyPhen-2: "Possibly Damaging". The methionine amino acid residue is found in multiple mammalian species, which suggests that this missense change does not adversely affect protein function. In summary, the available evidence is currently insufficient to determine the role of this variant in disease. Therefore, it has been classified as a Variant of Uncertain Significance.

NM_206926.2(SELENON):c.1018G>A (p.Val340Met)

Gene: SELENON (selenoprotein N; plus strand). Cytogenetic location: 1p36.11.
Variant type: single nucleotide variant.
Coding change: c.1018G>A on transcript NM_206926.2 (MANE Select); coding-DNA position 1018, G replaced by A.
Protein change: p.Val340Met; replaces valine 340 with methionine.
Molecular consequence: missense variant.
Genome position (GRCh38, 1-based): chr1:25,811,718, G>A. VCF-style: chr1-25811718-G-A. GRCh37 (hg19) VCF-style: chr1-26138209-G-A.
Other names: c.1120G>A, p.Val374Met (NM_020451.3); short protein forms V340M, V374M.
Identifiers: ClinVar variation 4751437 (VCV004751437.1).